The following is an entry in ClinVar:

ClinVar aggregate classification (germline): Uncertain significance (1 of 4 stars; one submission).

Allele frequency attached by ClinVar (database versions not stated): gnomAD exomes below 0.00001 and 0.00001; TOPMed below 0.00001; ExAC 0.00001; gnomAD 0.00001; 1000 Genomes Project 30x 0.00016.
gnomAD v4.1: 8 of 1,611,092 alleles (0.0005%); highest among the groups gnomAD compares: South Asian, 0.0055%; no homozygotes.

Submission:

Labcorp Genetics (formerly Invitae), Labcorp
Classification: Uncertain significance. Last evaluated: 2022-09-01. Review status: criteria provided, single submitter. Criteria: Invitae Variant Classification Sherloc (09022015). Collection method: clinical testing. Allele origin: germline.
Comment: In summary, the available evidence is currently insufficient to determine the role of this variant in disease. Therefore, it has been classified as a Variant of Uncertain Significance. Algorithms developed to predict the effect of missense changes on protein structure and function (SIFT, PolyPhen-2, Align-GVGD) all suggest that this variant is likely to be tolerated. ClinVar contains an entry for this variant (Variation ID: 1462002). This variant has not been reported in the literature in individuals affected with TAOK2-related conditions. This variant is present in population databases (rs774884028, gnomAD 0.006%). This sequence change replaces arginine, which is basic and polar, with glutamine, which is neutral and polar, at codon 633 of the TAOK2 protein (p.Arg633Gln).

NM_016151.4(TAOK2):c.1898G>A (p.Arg633Gln)

Gene: TAOK2 (TAO kinase 2; plus strand). Cytogenetic location: 16p11.2.
Variant type: single nucleotide variant.
Coding change: c.1898G>A on transcript NM_016151.4 (MANE Select); coding-DNA position 1898, G replaced by A.
Protein change: p.Arg633Gln; replaces arginine 633 with glutamine.
Molecular consequence: missense variant.
Genome position (GRCh38, 1-based): chr16:29,985,767, G>A. VCF-style: chr16-29985767-G-A. GRCh37 (hg19) VCF-style: chr16-29997088-G-A.
Other names: c.1898G>A, p.Arg633Gln (NM_001252043.2, NM_004783.4); short protein forms R633Q.
Identifiers: ClinVar variation 1462002 (VCV001462002.8), dbSNP rs774884028, ClinGen allele CA7998249.
Genomic context (GRCh38, chr16:29,985,767, plus strand): 5'-TGCTGCGGCAGAAGGAGCAGCTCCAGCAGTGCCAGGCGGAGGAGGAAGCAGGGCTGCTGC[G>A]GCGGCAGCGCCAGTACTTTGAGCTGCAGTGTCGCCAGTACAAGCGCAAGATGTTGCTGGC-3'
Protein context (NP_057235.2, residues 623-643): CQAEEEAGLL[Arg633Gln]RQRQYFELQC